The following is an entry in ClinVar:

NM_001365999.1(SZT2):c.6511C>T (p.Pro2171Ser)

Gene: SZT2 (SZT2 subunit of KICSTOR complex; plus strand). Cytogenetic location: 1p34.2.
Variant type: single nucleotide variant.
Coding change: c.6511C>T on transcript NM_001365999.1 (MANE Select); coding-DNA position 6511, C replaced by T.
Protein change: p.Pro2171Ser; replaces proline 2171 with serine.
Molecular consequence: missense variant.
Genome position (GRCh38, 1-based): chr1:43,438,701, C>T. VCF-style: chr1-43438701-C-T. GRCh37 (hg19) VCF-style: chr1-43904372-C-T.
Other names: c.6340C>T, p.Pro2114Ser (NM_015284.4); short protein forms P2114S, P2171S.
Identifiers: ClinVar variation 653964 (VCV000653964.8), dbSNP rs1570700741, ClinGen allele CA340030621.

ClinVar aggregate classification (germline): Uncertain significance (1 of 4 stars; one submission).

Allele frequency attached by ClinVar (database versions not stated): gnomAD exomes below 0.00001; gnomAD 0.00001.
gnomAD v4.1: 2 of 1,613,810 alleles (0.00012%); highest among the groups gnomAD compares: Non-Finnish European, 0.00017%; no homozygotes.

Submission:

Labcorp Genetics (formerly Invitae), Labcorp
Classification: Uncertain significance. Last evaluated: 2018-09-13. Review status: criteria provided, single submitter. Criteria: Invitae Variant Classification Sherloc (09022015). Collection method: clinical testing. Allele origin: germline.
Comment: In summary, the available evidence is currently insufficient to determine the role of this variant in disease. Therefore, it has been classified as a Variant of Uncertain Significance. Algorithms developed to predict the effect of missense changes on protein structure and function are either unavailable or do not agree on the potential impact of this missense change (SIFT: "Tolerated"; PolyPhen-2: "Probably Damaging"; Align-GVGD: "Class C15"). This variant has not been reported in the literature in individuals with SZT2-related disease. This variant is not present in population databases (ExAC no frequency). This sequence change replaces proline with serine at codon 2114 of the SZT2 protein (p.Pro2114Ser). The proline residue is highly conserved and there is a moderate physicochemical difference between proline and serine.